The following is an entry in ClinVar:

NM_015541.3(LRIG1):c.746A>G (p.Lys249Arg)

Gene: LRIG1 (leucine rich repeats and immunoglobulin like domains 1; minus strand). Cytogenetic location: 3p14.1.
Variant type: single nucleotide variant.
Coding change: c.746A>G on transcript NM_015541.3 (MANE Select); coding-DNA position 746, A replaced by G.
Protein change: p.Lys249Arg; replaces lysine 249 with arginine.
Molecular consequence: missense variant. On other transcripts: 5 prime UTR variant (2).
Genome position (GRCh38, 1-based): chr3:66,412,916, T>C on the plus strand (A>G on the coding strand, the complement: LRIG1 is on the minus strand). VCF-style: chr3-66412916-T-C. GRCh37 (hg19) VCF-style: chr3-66463340-T-C.
Other names: c.671A>G, p.Lys224Arg (NM_001377344.1); c.-35A>G (NM_001377345.1, NM_001377346.1); short protein forms K224R, K249R.
Identifiers: ClinVar variation 3037419 (VCV003037419.2), dbSNP rs80279768, ClinGen allele CA2485076.

ClinVar aggregate classification (germline): Benign (0 of 4 stars; one submission).

Conditions:
LRIG1-related disorder. Also called: LRIG1-related condition.

Allele frequency attached by ClinVar (database versions not stated): TOPMed 0.00081; ExAC 0.00145; 1000 Genomes Project 0.00359; 1000 Genomes Project 30x 0.00359.
gnomAD v4.1: 712 of 1,614,232 alleles (0.044%); highest among the groups gnomAD compares: East Asian, 1.5%; 4 homozygotes.

Submission:

PreventionGenetics, part of Exact Sciences
Classification: Benign for LRIG1-related condition. Last evaluated: 2019-09-10. Review status: no assertion criteria provided. Collection method: clinical testing. Allele origin: germline.
Comment: This variant is classified as benign based on ACMG/AMP sequence variant interpretation guidelines (Richards et al. 2015 PMID: 25741868, with internal and published modifications).